The following is an entry in ClinVar:

ClinVar aggregate classification (germline): Uncertain significance. Review status: criteria provided, multiple submitters, no conflicts (2 of 4 stars). 3 submissions from 3 submitters: Uncertain significance (3). Last evaluated 2026-05-11.

Conditions:
Inborn genetic diseases. Identifiers: MedGen C0950123, MeSH D030342.
Polycystic kidney disease, adult type (PKD1). Also called: POLYCYSTIC KIDNEY DISEASE 1 WITH OR WITHOUT POLYCYSTIC LIVER DISEASE; Polycystic Kidney Disease 1, Autosomal Dominant; Polycystic kidney disease 1; Polycystic kidney disease 1, severe; Polycystic Kidney, Autosomal Dominant; POLYCYSTIC KIDNEY DISEASE, ADULT, TYPE I. Identifiers: MedGen C3149841, MONDO:0008263, OMIM 173900.

Submissions (3):

Victorian Clinical Genetics Services, Murdoch Childrens Research Institute
Classification: Uncertain significance for Polycystic kidney disease, adult type. Last evaluated: 2026-05-11. Review status: criteria provided, single submitter. Criteria: ACMG Guidelines, 2015. Collection method: clinical testing. Allele origin: germline. Affected: yes.
Comment: This variant is classified as VUS-3A. Evidence in support of pathogenic classification: In-frame duplication in a non-repetitive region that has moderate conservation; Variant is absent from gnomAD (v2, v3 and v4). Additional information: This variant is heterozygous; This gene is associated with autosomal dominant disease. Polycystic kidney disease 1 (MIM#173900) is predominantly caused by monoallelic variants, with rare reports of biallelic variants causing disease (OMIM); Previous evidence of pathogenicity for this variant is inconclusive. This variant has been reported twice as VUS by clinical laboratories in ClinVar. It has been reported in the literature in an individual with renal cysts, in whom additional variants of uncertain significance were identified in the BBS1 and PKHD1 genes (PMID: 37962562); No published evidence of segregation with disease has been identified for this variant; No published functional evidence has been identified for this variant; No comparable in-frame duplication variants have previous evidence for pathogenicity; Variant is located in the annotated REJ domain (DECIPHER); Loss of function is a known mechanism of disease in this gene and is associated with polycystic kidney disease 1 (MIM#173900); Inheritance information for this variant is not currently available in this individual.

Ambry Genetics
Classification: Uncertain significance for Inborn genetic diseases. Last evaluated: 2022-06-10. Review status: criteria provided, single submitter. Criteria: Ambry Variant Classification Scheme 2023. Collection method: clinical testing. Allele origin: germline.
Comment: The c.6657_6671dupGCGGCTGGCGCTGCC (p.R2220_P2224dup) alteration is located in exon 15 (coding exon 15) of the PKD1 gene. The alteration consists of an in-frame duplication of 15 nucleotides from position 6657 to 6671, resulting in the duplication of <NA> residues. Based on insufficient or conflicting evidence, the clinical significance of this alteration remains unclear.

3billion
Classification: Uncertain significance for Polycystic kidney disease, adult type. Last evaluated: 2022-03-22. Review status: criteria provided, single submitter. Criteria: ACMG Guidelines, 2015. Collection method: clinical testing. Allele origin: germline. Affected: yes. Observed: 1 heterozygote.
Comment: Inframe insertion located in a nonrepeat region: predicted to change the length of the protein and disrupt normal protein function. It is not observed in the gnomAD v2.1.1 dataset. Therefore, this variant is classified as uncertain significance according to the recommendation of ACMG/AMP guideline.

Literature cited by the submitters: PubMed 37962562 (cited by Victorian Clinical Genetics Services, Murdoch Childrens Research Institute).

NM_001009944.3(PKD1):c.6657_6671dup (p.Arg2220_Pro2224dup)

Gene: PKD1 (polycystin 1, transient receptor potential channel interacting; minus strand). Cytogenetic location: 16p13.3.
Variant type: Duplication.
Coding change: c.6657_6671dup on transcript NM_001009944.3 (MANE Select); coding-DNA positions 6657 to 6671, 15 bases duplicated (GCGGCTGGCGCTGCC).
Protein change: p.Arg2220_Pro2224dup.
Molecular consequence: inframe insertion.
Genome position (GRCh38, 1-based): chr16:2,108,496-2,108,510, GGCAGCGCCAGCCGC duplicated on the plus strand (GCGGCTGGCGCTGCC on the coding strand, the reverse complement: PKD1 is on the minus strand); duplicating any 15 consecutive bases within chr16:2,108,496-2,108,516 gives the same sequence; the c. name uses the placement nearest the transcript's 3' end. VCF-style (leftmost placement, unchanged base first): chr16-2108495-A-AGGCAGCGCCAGCCGC. GRCh37 (hg19) VCF-style: chr16-2158496-A-AGGCAGCGCCAGCCGC.
Other names: c.6657_6671dup, p.Arg2220_Pro2224dup (NM_000296.4); c.6657_6671dupGCGGCTGGCGCTGCC (NM_000296.3).
Identifiers: ClinVar variation 1526051 (VCV001526051.5), dbSNP rs2151786683, ClinGen allele CA2573151948.